The following is an entry in ClinVar:

NM_019055.6(ROBO4):c.1775G>A (p.Ser592Asn)

Gene: ROBO4 (roundabout guidance receptor 4; minus strand). Cytogenetic location: 11q24.2.
Variant type: single nucleotide variant.
Coding change: c.1775G>A on transcript NM_019055.6 (MANE Select); coding-DNA position 1775, G replaced by A.
Protein change: p.Ser592Asn; replaces serine 592 with asparagine.
Molecular consequence: missense variant.
Genome position (GRCh38, 1-based): chr11:124,891,472, C>T on the plus strand (G>A on the coding strand, the complement: ROBO4 is on the minus strand). VCF-style: chr11-124891472-C-T. GRCh37 (hg19) VCF-style: chr11-124761368-C-T.
Other names: c.1340G>A, p.Ser447Asn (NM_001301088.2); c.1775G>A (NM_019055.5); short protein forms S447N, S592N.
Identifiers: ClinVar variation 2642504 (VCV002642504.26), dbSNP rs143995311, ClinGen allele CA6344814.

ClinVar aggregate classification (germline): Benign/Likely benign. Review status: criteria provided, multiple submitters, no conflicts (2 of 4 stars). 3 submissions from 3 submitters: Benign (2); Likely benign (1). Last evaluated 2026-06-01.

Conditions:
ROBO4-related disorder. Also called: ROBO4-related condition.
Familial thoracic aortic aneurysm and aortic dissection (TAAD). Also called: Thoracic aortic aneurysms and dissections. Identifiers: Orphanet 91387, MedGen C4707243, MONDO:0019625.

Allele frequency attached by ClinVar (database versions not stated): TOPMed 0.00051; gnomAD exomes 0.00078; ESP Exome Variant Server 0.00100; gnomAD 0.00110; ExAC 0.00148.
gnomAD v4.1: 1,290 of 1,612,148 alleles (0.08%); highest among the groups gnomAD compares: Non-Finnish European, 0.088%; 3 homozygotes.

Submissions (3):

CeGaT Center for Human Genetics Tuebingen
Classification: Benign. Last evaluated: 2026-06-01. Review status: criteria provided, single submitter. Criteria: CeGaT Center For Human Genetics Tuebingen Variant Classification Criteria Version 2. Collection method: clinical testing. Allele origin: germline. Affected: yes. Observed: 5 variant alleles.
Comment: ROBO4: BP4, BS1, BS2

PreventionGenetics, part of Exact Sciences
Classification: Likely benign for ROBO4-related condition. Last evaluated: 2025-09-03. Review status: criteria provided, single submitter. Criteria: ACMG Guidelines, 2015. Collection method: clinical testing. Allele origin: germline.
Comment: This variant is classified as likely benign based on ACMG/AMP sequence variant interpretation guidelines (Richards et al. 2015 PMID: 25741868, with internal and published modifications).

CHEO Genetics Diagnostic Laboratory, Children's Hospital of Eastern Ontario
Classification: Benign for Familial thoracic aortic aneurysm and aortic dissection. Last evaluated: 2023-02-24. Review status: criteria provided, single submitter. Criteria: ACMG Guidelines, 2015. Collection method: clinical testing. Allele origin: germline.